The following is an entry in ClinVar:

ClinVar aggregate classification (germline): Conflicting classifications of pathogenicity. Review status: criteria provided, conflicting classifications (1 of 4 stars). 4 submissions from 3 submitters: Likely pathogenic (2); Uncertain significance (2). Last evaluated 2024-09-20.

Conditions:
Developmental and epileptic encephalopathy. Identifiers: MedGen C5779964, MONDO:0100620.
Generalized epilepsy with febrile seizures plus, type 1 (GEFSP1). Also called: GEFS+, TYPE 1. Identifiers: Orphanet 36387, MedGen C1858672, MONDO:0011416, OMIM 604233.
Developmental and epileptic encephalopathy, 1 (DEE1). Also called: X-linked infantile spasms; West's syndrome; Tonic spasms with clustering, arrest of psychomotor development and hypsarrhythmia on EEG; X-Linked Infantile Spasm Syndrome; Epileptic encephalopathy, early infantile, 1; INFANTILE SPASM SYNDROME, X-LINKED 1. Identifiers: MedGen C3463992, MONDO:0010632, OMIM 308350. Disease mechanism: loss of function.

Allele frequency attached by ClinVar (database versions not stated): gnomAD exomes below 0.00001.
gnomAD v4.1: 1 of 1,614,074 alleles (0.000062%); highest among the groups gnomAD compares: African/African-American, 0.0013%; no homozygotes.

Submissions (4):

GeneDx
Classification: Uncertain significance. Last evaluated: 2024-09-20. Review status: criteria provided, single submitter. Criteria: GeneDx Variant Classification Process June 2021. Collection method: clinical testing. Allele origin: germline. Affected: yes.
Comment: Not observed at significant frequency in large population cohorts (gnomAD); In silico analysis indicates that this missense variant does not alter protein structure/function; Has not been previously published as pathogenic or benign to our knowledge; This substitution is predicted to be within the cytoplasmic loop between the first and second homologous domains

Labcorp Genetics (formerly Invitae), Labcorp
Classification: Uncertain significance for Early-infantile DEE. Last evaluated: 2023-12-27. Review status: criteria provided, single submitter. Criteria: Invitae Variant Classification Sherloc (09022015). Collection method: clinical testing. Allele origin: germline.
Comment: This sequence change replaces aspartic acid, which is acidic and polar, with histidine, which is basic and polar, at codon 674 of the SCN1A protein (p.Asp674His). This variant is not present in population databases (gnomAD no frequency). This variant has not been reported in the literature in individuals affected with SCN1A-related conditions. ClinVar contains an entry for this variant (Variation ID: 638433). Advanced modeling of protein sequence and biophysical properties (such as structural, functional, and spatial information, amino acid conservation, physicochemical variation, residue mobility, and thermodynamic stability) has been performed at Invitae for this missense variant, however the output from this modeling did not meet the statistical confidence thresholds required to predict the impact of this variant on SCN1A protein function. This variant disrupts the p.Asp674 amino acid residue in SCN1A. Other variant(s) that disrupt this residue have been determined to be pathogenic (PMID: 17347258, 30619928). This suggests that this residue is clinically significant, and that variants that disrupt this residue are likely to be disease-causing. In summary, the available evidence is currently insufficient to determine the role of this variant in disease. Therefore, it has been classified as a Variant of Uncertain Significance.

Genomic Research Center, Shahid Beheshti University of Medical Sciences
Classification: Likely pathogenic for Generalized epilepsy with febrile seizures plus, type 1. Last evaluated: 2019-04-27. Review status: criteria provided, single submitter. Criteria: ACMG Guidelines, 2015. Collection method: clinical testing. Allele origin: unknown. Affected: yes.

Genomic Research Center, Shahid Beheshti University of Medical Sciences
Classification: Likely pathogenic for Epileptic encephalopathy, early infantile, 1. Last evaluated: 2019-04-27. Review status: criteria provided, single submitter. Criteria: ACMG Guidelines, 2015. Collection method: clinical testing. Allele origin: unknown. Affected: yes.

Literature cited by the submitters: PubMed 17347258 (cited by Labcorp Genetics (formerly Invitae), Labcorp); PubMed 30619928 (cited by Labcorp Genetics (formerly Invitae), Labcorp).

NM_001165963.4(SCN1A):c.2020G>C (p.Asp674His)

Gene: SCN1A (sodium voltage-gated channel alpha subunit 1; minus strand). Cytogenetic location: 2q24.3.
Variant type: single nucleotide variant.
Coding change: c.2020G>C on transcript NM_001165963.4 (MANE Select); coding-DNA position 2020, G replaced by C.
Protein change: p.Asp674His; replaces aspartic acid 674 with histidine.
Molecular consequence: missense variant. On other transcripts: intron variant (12).
Genome position (GRCh38, 1-based): chr2:166,043,692, C>G on the plus strand (G>C on the coding strand, the complement: SCN1A is on the minus strand). VCF-style: chr2-166043692-C-G. GRCh37 (hg19) VCF-style: chr2-166900202-C-G.
Other names: c.2020G>C, p.Asp674His (NM_001202435.3, NM_001353948.2); c.2010+10G>C (NM_001353949.2, NM_001353950.2, NM_001353951.2 and 2 more transcripts); c.1959+61G>C (NM_001353958.2, NM_001353957.2, NM_001165964.3); c.2007+10G>C (NM_001353955.2, NM_001353954.2); c.1956+61G>C (NM_001353960.2); c.-416+10G>C (NM_001353961.2); short protein forms D674H.
Identifiers: ClinVar variation 638433 (VCV000638433.13), dbSNP rs1574214734, ClinGen allele CA349067084.